The following is an entry in ClinVar:

NM_133433.4(NIPBL):c.6880C>T (p.Gln2294Ter)

Gene: NIPBL (NIPBL cohesin loading factor; plus strand). Cytogenetic location: 5p13.2.
Variant type: single nucleotide variant.
Coding change: c.6880C>T on transcript NM_133433.4 (MANE Select); coding-DNA position 6880, C replaced by T.
Protein change: p.Gln2294Ter; replaces glutamine 2294 with a stop codon.
Molecular consequence: nonsense.
Genome position (GRCh38, 1-based): chr5:37,049,227, C>T. VCF-style: chr5-37049227-C-T. GRCh37 (hg19) VCF-style: chr5-37049329-C-T.
Other names: c.6880C>T, p.Gln2294Ter (NM_015384.5); short protein forms Q2294*.
Identifiers: ClinVar variation 3720614 (VCV003720614.2).
Genomic context (GRCh38, chr5:37,049,227, plus strand): 5'-ATGAGTAGTTCCATCATGCAGCTTTATCTCAAACAGGTGCTTGAGGCATTTTTTCACACC[C>T]AGTCAAGTGTACGCCACTTTGCCCTAAATGTCATTGCATTGACTCTAAATCAAGGTCTTA-3'

ClinVar aggregate classification (germline): Pathogenic (1 of 4 stars; one submission).

Conditions:
Cornelia de Lange syndrome 1 (CDLS1). Also called: TYPUS DEGENERATIVUS AMSTELODAMENSIS; Brachmann de Lange syndrome; NIPBL-Related Cornelia de Lange Syndrome. Identifiers: Orphanet 199, MedGen C4551851, MONDO:0007387, OMIM 122470.

Submission:

Labcorp Genetics (formerly Invitae), Labcorp
Classification: Pathogenic for Cornelia de Lange syndrome 1. Last evaluated: 2024-03-13. Review status: criteria provided, single submitter. Criteria: Invitae Variant Classification Sherloc (09022015). Collection method: clinical testing. Allele origin: germline.
Comment: This sequence change creates a premature translational stop signal (p.Gln2294*) in the NIPBL gene. It is expected to result in an absent or disrupted protein product. Loss-of-function variants in NIPBL are known to be pathogenic (PMID: 15318302, 19763162, 23505322, 29995837). This variant is not present in population databases (gnomAD no frequency). This premature translational stop signal has been observed in individual(s) with Cornelia de Lange Syndrome (PMID: 20358602). Algorithms developed to predict the effect of sequence changes on RNA splicing suggest that this variant may disrupt the consensus splice site. For these reasons, this variant has been classified as Pathogenic.

Literature cited by the submitters: PubMed 15318302; PubMed 19763162; PubMed 23505322; PubMed 29995837; PubMed 20358602.